The following is an entry in ClinVar:

NM_000219.6(KCNE1):c.4A>G (p.Ile2Val)

Gene: KCNE1 (potassium voltage-gated channel subfamily E regulatory subunit 1; minus strand). Cytogenetic location: 21q22.12.
Variant type: single nucleotide variant.
Coding change: c.4A>G on transcript NM_000219.6 (MANE Select); coding-DNA position 4, A replaced by G.
Protein change: p.Ile2Val; replaces isoleucine 2 with valine.
Molecular consequence: missense variant.
Genome position (GRCh38, 1-based): chr21:34,449,631, T>C on the plus strand (A>G on the coding strand, the complement: KCNE1 is on the minus strand). VCF-style: chr21-34449631-T-C. GRCh37 (hg19) VCF-style: chr21-35821929-T-C.
Other names: c.4A>G, p.Ile2Val (NM_001127668.4, NM_001127669.4, NM_001127670.4 and 4 more transcripts); short protein forms I2V.
Identifiers: ClinVar variation 3373872 (VCV003373872.2).
Genomic context (GRCh38, chr21:34,449,631, plus strand): 5'-GAACTGTCTCCTGCCACAGCTTGGTCAGAAAGGGCGTCACCGCTGTGGTGTTAGACAGGA[T>C]CATCCTGGGCATTAAGGTTCCACTGCTGCAGCTCAAACTTCCCAGGCACACCTCTTAAAG-3'
Protein context (NP_000210.2, residues 1-12): M[Ile2Val]LSNTTAVTPF

Conditions:
Long QT syndrome 5 (LQT5). Identifiers: Orphanet 101016, Orphanet 768, MedGen C1867904, MONDO:0013372, OMIM 613695.

Submission:

Roden Lab, Vanderbilt University Medical Center
No classification provided (evidence only). Condition: Long QT syndrome 5. Review status: no classification provided. Collection method: in vitro. Allele origin: not applicable. Functional consequence: Effect on ion channel function.
ClinVar note: "not provided" was previously submitted as the classification for the variant. However, the classification appeared to be based only on an observation of functional data so it was converted to no classification on 2025-07-30.